The following is an entry in ClinVar:

ClinVar aggregate classification (germline): Uncertain significance. Review status: criteria provided, multiple submitters, no conflicts (2 of 4 stars). 2 submissions from 2 submitters: Uncertain significance (2). Last evaluated 2023-12-16.

Conditions:
Hereditary cancer-predisposing syndrome. Also called: Hereditary neoplastic syndrome; Tumor predisposition; Neoplastic Syndromes, Hereditary; Hereditary Cancer Syndrome. Identifiers: Orphanet 140162, MedGen C0027672, MeSH D009386, MONDO:0015356.
Neuroblastoma, susceptibility to, 3. Also called: ALK-Related Neuroblastic Tumor Susceptibility. Identifiers: Orphanet 635, MedGen C2751681, MONDO:0013083, OMIM 613014.

Allele frequency attached by ClinVar (database versions not stated): gnomAD exomes below 0.00001; gnomAD 0.00001.
gnomAD v4.1: 3 of 1,613,308 alleles (0.00019%); highest among the groups gnomAD compares: Admixed American, 0.0017%; no homozygotes.

Submissions (2):

Labcorp Genetics (formerly Invitae), Labcorp
Classification: Uncertain significance for Neuroblastoma, susceptibility to, 3. Last evaluated: 2023-12-16. Review status: criteria provided, single submitter. Criteria: Invitae Variant Classification Sherloc (09022015). Collection method: clinical testing. Allele origin: germline.
Comment: This sequence change replaces glutamic acid, which is acidic and polar, with lysine, which is basic and polar, at codon 160 of the ALK protein (p.Glu160Lys). This variant is not present in population databases (gnomAD no frequency). This variant has not been reported in the literature in individuals affected with ALK-related conditions. ClinVar contains an entry for this variant (Variation ID: 961120). An algorithm developed to predict the effect of missense changes on protein structure and function (PolyPhen-2) suggests that this variant is likely to be tolerated. In summary, the available evidence is currently insufficient to determine the role of this variant in disease. Therefore, it has been classified as a Variant of Uncertain Significance.

Ambry Genetics
Classification: Uncertain significance for Hereditary cancer-predisposing syndrome. Last evaluated: 2023-09-06. Review status: criteria provided, single submitter. Criteria: Ambry Variant Classification Scheme 2023. Collection method: clinical testing. Allele origin: germline.
Comment: The p.E160K variant (also known as c.478G>A), located in coding exon 1 of the ALK gene, results from a G to A substitution at nucleotide position 478. The glutamic acid at codon 160 is replaced by lysine, an amino acid with similar properties. This amino acid position is conserved. In addition, the in silico prediction for this alteration is inconclusive. Since supporting evidence is limited at this time, the clinical significance of this alteration remains unclear.

NM_004304.5(ALK):c.478G>A (p.Glu160Lys)

Gene: ALK (ALK receptor tyrosine kinase; minus strand). Cytogenetic location: 2p23.1.
Variant type: single nucleotide variant.
Coding change: c.478G>A on transcript NM_004304.5 (MANE Select); coding-DNA position 478, G replaced by A.
Protein change: p.Glu160Lys; replaces glutamic acid 160 with lysine.
Molecular consequence: missense variant.
Genome position (GRCh38, 1-based): chr2:29,920,182, C>T on the plus strand (G>A on the coding strand, the complement: ALK is on the minus strand). VCF-style: chr2-29920182-C-T. GRCh37 (hg19) VCF-style: chr2-30143048-C-T.
Other names: short protein forms E160K.
Identifiers: ClinVar variation 961120 (VCV000961120.11), dbSNP rs1667952034, ClinGen allele CA346589971.